The following is an entry in ClinVar:

NM_000548.5(TSC2):c.2011G>A (p.Gly671Ser)

Gene: TSC2 (TSC complex subunit 2; plus strand). Cytogenetic location: 16p13.3.
Variant type: single nucleotide variant.
Coding change: c.2011G>A on transcript NM_000548.5 (MANE Select); coding-DNA position 2011, G replaced by A.
Protein change: p.Gly671Ser; replaces glycine 671 with serine.
Molecular consequence: missense variant.
Genome position (GRCh38, 1-based): chr16:2,071,848, G>A. VCF-style: chr16-2071848-G-A. GRCh37 (hg19) VCF-style: chr16-2121849-G-A.
Other names: c.2011G>A, p.Gly671Ser (NM_001077183.3, NM_001114382.3, NM_001363528.2 and 3 more transcripts); c.1900G>A, p.Gly634Ser (NM_001318827.2); c.1864G>A, p.Gly622Ser (NM_001318829.2); c.1411G>A, p.Gly471Ser (NM_001318831.2); c.2044G>A, p.Gly682Ser (NM_001318832.2); short protein forms G682S, G471S, G622S, G671S, G634S.
Identifiers: ClinVar variation 1399324 (VCV001399324.12), dbSNP rs1268191908, ClinGen allele CA394274467.

ClinVar aggregate classification (germline): Conflicting classifications of pathogenicity. Review status: criteria provided, conflicting classifications (1 of 4 stars). 3 submissions from 3 submitters: Uncertain significance (1); Benign (1); Likely benign (1). Last evaluated 2026-04-23.

Conditions:
Hereditary cancer-predisposing syndrome. Also called: Hereditary Cancer Syndrome; Tumor predisposition; Neoplastic Syndromes, Hereditary; Hereditary neoplastic syndrome. Identifiers: Orphanet 140162, MedGen C0027672, MeSH D009386, MONDO:0015356.
Tuberous sclerosis 2 (TSC2). Identifiers: Orphanet 805, MedGen C1860707, MONDO:0013199, OMIM 613254.

Allele frequency attached by ClinVar (database versions not stated): TOPMed below 0.00001; gnomAD exomes 0.00001 and below 0.00001.

Submissions (3):

Ambry Genetics
Classification: Likely benign for Hereditary cancer-predisposing syndrome. Last evaluated: 2026-04-23. Review status: criteria provided, single submitter. Criteria: Ambry Variant Classification Scheme 2023. Collection method: clinical testing. Allele origin: germline.

Labcorp Genetics (formerly Invitae), Labcorp
Classification: Benign for Tuberous sclerosis 2. Last evaluated: 2025-06-23. Review status: criteria provided, single submitter. Criteria: Invitae Variant Classification Sherloc (09022015). Collection method: clinical testing. Allele origin: germline.

GeneDx
Classification: Uncertain significance. Last evaluated: 2025-01-07. Review status: criteria provided, single submitter. Criteria: GeneDx Variant Classification Process June 2021. Collection method: clinical testing. Allele origin: germline.
Comment: In silico analysis indicates that this missense variant does not alter protein structure/function; Has not been previously published as pathogenic or benign to our knowledge